The following is an entry in ClinVar:

NM_002618.4(PEX13):c.44G>A (p.Arg15His)

Genes: PEX13 (peroxisomal biogenesis factor 13; plus strand), PUS10 (pseudouridine synthase 10; minus strand). Cytogenetic location: 2p15.
Variant type: single nucleotide variant.
Coding change: c.44G>A on transcript NM_002618.4 (MANE Select); coding-DNA position 44, G replaced by A.
Protein change: p.Arg15His; replaces arginine 15 with histidine.
Molecular consequence: missense variant. On other transcripts: intron variant (2).
Genome position (GRCh38, 1-based): chr2:61,017,803, G>A. VCF-style: chr2-61017803-G-A. GRCh37 (hg19) VCF-style: chr2-61244938-G-A.
Other names: c.-16+205C>T (NM_144709.4); c.-623+205C>T (NM_001322127.1); short protein forms R15H.
Identifiers: ClinVar variation 1504503 (VCV001504503.7), dbSNP rs576438646, ClinGen allele CA1673192.
Genomic context (GRCh38, chr2:61,017,803, plus strand): 5'-GAGAGGAGGCGGAGGAGATGGCGTCCCAGCCGCCACCTCCCCCCAAACCCTGGGAGACCC[G>A]CCGAATTCCGGGAGCCGGACCGGGACCAGGACCGGGCCCCACTTTCCAGTGAGTGTGGGA-3'
Protein context (NP_002609.1, residues 5-25): PPPPPKPWET[Arg15His]RIPGAGPGPG

ClinVar aggregate classification (germline): Uncertain significance (1 of 4 stars; one submission).

Conditions:
Peroxisome biogenesis disorder 11A (Zellweger). Also called: Peroxisome biogenesis disorder 11A. Identifiers: Orphanet 912, MedGen C3554000, MONDO:0013949, OMIM 614883.

Allele frequency attached by ClinVar (database versions not stated): gnomAD 0.00001; gnomAD exomes 0.00001; ExAC 0.00007; 1000 Genomes Project 30x 0.00016; 1000 Genomes Project 0.00020.
gnomAD v4.1: 2 of 1,550,518 alleles (0.00013%); highest among the groups gnomAD compares: South Asian, 0.0024%; no homozygotes.

Submission:

Labcorp Genetics (formerly Invitae), Labcorp
Classification: Uncertain significance for Peroxisome biogenesis disorder 11A (Zellweger). Last evaluated: 2025-01-06. Review status: criteria provided, single submitter. Criteria: Invitae Variant Classification Sherloc (09022015). Collection method: clinical testing. Allele origin: germline.
Comment: This sequence change replaces arginine, which is basic and polar, with histidine, which is basic and polar, at codon 15 of the PEX13 protein (p.Arg15His). The frequency data for this variant in the population databases is considered unreliable, as metrics indicate poor data quality at this position in the gnomAD database. This variant has not been reported in the literature in individuals affected with PEX13-related conditions. ClinVar contains an entry for this variant (Variation ID: 1504503). An algorithm developed to predict the effect of missense changes on protein structure and function (PolyPhen-2) suggests that this variant is likely to be tolerated. In summary, the available evidence is currently insufficient to determine the role of this variant in disease. Therefore, it has been classified as a Variant of Uncertain Significance.